The following is an entry in ClinVar:

ClinVar aggregate classification (germline): Benign/Likely benign. Review status: criteria provided, multiple submitters, no conflicts (2 of 4 stars). 4 submissions from 4 submitters: Benign (3); Likely benign (1). Last evaluated 2024-07-01.

Allele frequency attached by ClinVar (database versions not stated): gnomAD 0.00575 and 0.00574; gnomAD exomes 0.00627 and 0.00900; ExAC 0.00684; ESP Exome Variant Server 0.00707; 1000 Genomes Project 30x 0.00297; 1000 Genomes Project 0.00339; TOPMed 0.00538.
gnomAD v4.1: 13,959 of 1,614,048 alleles (0.86%); highest among the groups gnomAD compares: Non-Finnish European, 1%; 95 homozygotes.

Submissions (4):

CeGaT Center for Human Genetics Tuebingen
Classification: Likely benign. Last evaluated: 2024-07-01. Review status: criteria provided, single submitter. Criteria: CeGaT Center For Human Genetics Tuebingen Variant Classification Criteria Version 2. Collection method: clinical testing. Allele origin: germline. Affected: yes. Observed: 1 variant allele.
Comment: ATP1B1: BP4, BP7, BS2

Labcorp Genetics (formerly Invitae), Labcorp
Classification: Benign. Last evaluated: 2019-12-31. Review status: criteria provided, single submitter. Criteria: Invitae Variant Classification Sherloc (09022015). Collection method: clinical testing. Allele origin: germline.

Women's Health and Genetics/Laboratory Corporation of America, LabCorp
Classification: Benign. Last evaluated: 2017-02-13. Review status: criteria provided, single submitter. Criteria: LabCorp Variant Classification Summary - May 2015. Collection method: clinical testing. Allele origin: germline.
Comment: Variant summary: The ATP1B1 c.600A>C (p.Pro200Pro) variant involves the alteration of a non-conserved nucleotide, resulting in a synonymous change. Mutation taster predicts a benign outcome for this variant along with 5/5 splice prediction tools predicting the variant not to have an impact on normal splicing. This variant was found in 830/121356 control chromosomes (6 homozygotes) at a frequency of 0.0068394, which greatly exceeds the estimated maximal expected allele frequency of a pathogenic ATP1B1 variant (0.00001), suggesting this variant is likely a benign polymorphism. The variant of interest has not, to our knowledge, been reported in affected individuals via publications and/or reputable databases/clinical diagnostic laboratories; nor evaluated for functional impact by in vivo/vitro studies. Taken together, this variant is classified as benign.

Breakthrough Genomics
Classification: Benign. Review status: criteria provided, single submitter. Criteria: ACMG Guidelines, 2015. Collection method: not provided. Allele origin: germline. Inheritance: Multifactorial inheritance. Affected: yes.

NM_001677.4(ATP1B1):c.600A>C (p.Pro200=)

Gene: ATP1B1 (ATPase Na+/K+ transporting subunit beta 1; plus strand). Cytogenetic location: 1q24.2.
Variant type: single nucleotide variant.
Coding change: c.600A>C on transcript NM_001677.4 (MANE Select); coding-DNA position 600, A replaced by C.
Protein change: p.Pro200=; no amino-acid change (proline 200 retained).
Molecular consequence: synonymous variant.
Genome position (GRCh38, 1-based): chr1:169,130,042, A>C. VCF-style: chr1-169130042-A-C. GRCh37 (hg19) VCF-style: chr1-169099280-A-C.
Identifiers: ClinVar variation 496144 (VCV000496144.23), dbSNP rs61803314, ClinGen allele CA1231614.